The following is an entry in ClinVar:

ClinVar aggregate classification (germline): Conflicting classifications of pathogenicity. Review status: criteria provided, conflicting classifications (1 of 4 stars). 3 submissions from 3 submitters: Uncertain significance (2); Likely benign (1). Last evaluated 2025-03-06.

Conditions:
Spondyloepiphyseal dysplasia with congenital joint dislocations (SEDCJD). Also called: Chondrodysplasia with Congenital Joint Dislocations, CHST3-Related. Identifiers: Orphanet 263463, MedGen C1837657, MONDO:0007738, OMIM 143095.

Allele frequency attached by ClinVar (database versions not stated): TOPMed 0.00006; gnomAD exomes 0.00009 and 0.00031; ExAC 0.00014; 1000 Genomes Project 30x 0.00062; 1000 Genomes Project 0.00080.
gnomAD v4.1: 446 of 1,545,944 alleles (0.029%); highest among the groups gnomAD compares: East Asian, 1.1%; 9 homozygotes.

Submissions (3):

Labcorp Genetics (formerly Invitae), Labcorp
Classification: Likely benign for Spondyloepiphyseal dysplasia with congenital joint dislocations. Last evaluated: 2025-03-06. Review status: criteria provided, single submitter. Criteria: Invitae Variant Classification Sherloc (09022015). Collection method: clinical testing. Allele origin: germline.

Women's Health and Genetics/Laboratory Corporation of America, LabCorp
Classification: Uncertain significance. Last evaluated: 2023-12-29. Review status: criteria provided, single submitter. Criteria: LabCorp Variant Classification Summary - May 2015. Collection method: clinical testing. Allele origin: germline.
Comment: Variant summary: CHST3 c.1044C>G (p.Ile348Met) results in a conservative amino acid change located in the Sulfotransferase domain (IPR000863) of the encoded protein sequence. Three of five in-silico tools predict a benign effect of the variant on protein function. The variant allele was found at a frequency of 9.5e-05 in 147426 control chromosomes (gnomAD v2.1). c.1044C>G has been reported in the literature in a fetal sketal abnormality case that was compound heterozygous with a truncating variant (Yang_2022). These data do not allow any conclusion about variant significance. To our knowledge, no experimental evidence demonstrating an impact on protein function has been reported. The following publication has been ascertained in the context of this evaluation (PMID: 35583673). Two submitters have cited clinical-significance assessments for this variant to ClinVar after 2014. Both submitters classified the variant as uncertain significance. Based on the evidence outlined above, the variant was classified as uncertain significance.

Illumina Laboratory Services, Illumina
Classification: Uncertain significance for Spondyloepiphyseal dysplasia with congenital joint dislocations. Last evaluated: 2018-01-13. Review status: criteria provided, single submitter. Criteria: ICSL Variant Classification Criteria 13 December 2019. Collection method: clinical testing. Allele origin: germline.

Literature cited by the submitters: PubMed 35583673 (cited by Women's Health and Genetics/Laboratory Corporation of America, LabCorp).

NM_004273.5(CHST3):c.1044C>G (p.Ile348Met)

Gene: CHST3 (carbohydrate sulfotransferase 3; plus strand). Cytogenetic location: 10q22.1.
Variant type: single nucleotide variant.
Coding change: c.1044C>G on transcript NM_004273.5 (MANE Select); coding-DNA position 1044, C replaced by G.
Protein change: p.Ile348Met; replaces isoleucine 348 with methionine.
Molecular consequence: missense variant.
Genome position (GRCh38, 1-based): chr10:72,008,075, C>G. VCF-style: chr10-72008075-C-G. GRCh37 (hg19) VCF-style: chr10-73767833-C-G.
Other names: short protein forms I348M.
Identifiers: ClinVar variation 880073 (VCV000880073.11), dbSNP rs3740128, ClinGen allele CA5548199.